The following is an entry in ClinVar:

NM_000321.3(RB1):c.381-12T>C

Gene: RB1 (RB transcriptional corepressor 1; plus strand). Cytogenetic location: 13q14.2.
Variant type: single nucleotide variant.
Coding change: c.381-12T>C on transcript NM_000321.3 (MANE Select); 12 bases into the intron before coding-DNA position 381, T replaced by C.
Molecular consequence: intron variant.
Genome position (GRCh38, 1-based): chr13:48,345,068, T>C. VCF-style: chr13-48345068-T-C. GRCh37 (hg19) VCF-style: chr13-48919204-T-C.
Other names: c.381-12T>C (NM_001407165.1, NM_001407166.1).
Identifiers: ClinVar variation 2912693 (VCV002912693.4), dbSNP rs746722035, ClinGen allele CA037942.

ClinVar aggregate classification (germline): Conflicting classifications of pathogenicity. Review status: criteria provided, conflicting classifications (1 of 4 stars). 2 submissions from 2 submitters: Uncertain significance (1); Likely benign (1). Last evaluated 2025-10-06.

Conditions:
Retinoblastoma (RB1). Also called: RETINOBLASTOMA, SOMATIC. Identifiers: Orphanet 790, MedGen C0035335, MeSH D012175, MONDO:0008380, OMIM 180200, HP:0009919. Disease mechanism: loss of function. Inheritance: Both sporadic and heritable forms are tested..

Allele frequency attached by ClinVar (database versions not stated): gnomAD exomes below 0.00001; ExAC 0.00001.
gnomAD v4.1: 2 of 1,607,438 alleles (0.00012%); highest among the groups gnomAD compares: Non-Finnish European, 0.00017%; no homozygotes.

Submissions (2):

Labcorp Genetics (formerly Invitae), Labcorp
Classification: Likely benign for Retinoblastoma. Last evaluated: 2025-10-06. Review status: criteria provided, single submitter. Criteria: Invitae Variant Classification Sherloc (09022015). Collection method: clinical testing. Allele origin: germline.

GeneDx
Classification: Uncertain significance. Last evaluated: 2024-01-19. Review status: criteria provided, single submitter. Criteria: GeneDx Variant Classification Process June 2021. Collection method: clinical testing. Allele origin: germline. Affected: yes.
Comment: Not observed at significant frequency in large population cohorts (gnomAD); In silico analysis supports that this variant does not alter splicing; Has not been previously published as pathogenic or benign to our knowledge